The following is an entry in ClinVar:

NM_004168.4(SDHA):c.1909-20C>T

Gene: SDHA (succinate dehydrogenase complex flavoprotein subunit A; plus strand). Cytogenetic location: 5p15.33.
Variant type: single nucleotide variant.
Coding change: c.1909-20C>T on transcript NM_004168.4 (MANE Select); 20 bases into the intron before coding-DNA position 1909, C replaced by T.
Molecular consequence: intron variant.
Genome position (GRCh38, 1-based): chr5:256,314, C>T. VCF-style: chr5-256314-C-T. GRCh37 (hg19) VCF-style: chr5-256429-C-T.
Other names: c.1666-20C>T (NM_001330758.2); c.1765-20C>T (NM_001294332.2).
Identifiers: ClinVar variation 3904367 (VCV003904367.1).

ClinVar aggregate classification (germline): Likely benign (1 of 4 stars; one submission).

Conditions:
Pheochromocytoma/paraganglioma syndrome 5. Also called: Paragangliomas 5; SDHA-Related Hereditary Paraganglioma-Pheochromocytoma Syndrome. Identifiers: Orphanet 29072, MedGen C3279992, MONDO:0013602, OMIM 614165.

Submission:

Myriad Genetics, Inc.
Classification: Likely benign for Pheochromocytoma/paraganglioma syndrome 5. Last evaluated: 2025-03-11. Review status: criteria provided, single submitter. Criteria: Myriad Autosomal Dominant, Autosomal Recessive and X-Linked Classification Criteria (2023). Collection method: clinical testing. Allele origin: unknown.
Comment: This variant is considered likely benign. This variant is intronic and is not expected to impact mRNA splicing.